The following is an entry in ClinVar:

NM_172107.4(KCNQ2):c.1498G>A (p.Gly500Ser)

Gene: KCNQ2 (potassium voltage-gated channel subfamily Q member 2; minus strand). Cytogenetic location: 20q13.33.
Variant type: single nucleotide variant.
Coding change: c.1498G>A on transcript NM_172107.4 (MANE Select); coding-DNA position 1498, G replaced by A.
Protein change: p.Gly500Ser; replaces glycine 500 with serine.
Molecular consequence: missense variant.
Genome position (GRCh38, 1-based): chr20:63,414,930, C>T on the plus strand (G>A on the coding strand, the complement: KCNQ2 is on the minus strand). VCF-style: chr20-63414930-C-T. GRCh37 (hg19) VCF-style: chr20-62046283-C-T.
Other names: c.1444G>A, p.Gly482Ser (NM_001382235.1, NM_172106.3); c.1414G>A, p.Gly472Ser (NM_004518.6); c.1408G>A, p.Gly470Ser (NM_172108.5); short protein forms G472S, G482S, G470S, G500S.
Identifiers: ClinVar variation 1440238 (VCV001440238.8), dbSNP rs2080237946, ClinGen allele CA409646190.

ClinVar aggregate classification (germline): Uncertain significance (1 of 4 stars; one submission).

Conditions:
Early-infantile DEE. Also called: Early infantile epileptic encephalopathy; Ohtahara syndrome; Early infantile epileptic encephalopathy with suppression bursts. Identifiers: Orphanet 1934, MedGen C0393706, MONDO:0800491.

Allele frequency attached by ClinVar (database versions not stated): gnomAD exomes below 0.00001; TOPMed 0.00001.
gnomAD v4.1: 1 of 1,612,778 alleles (0.000062%); highest among the groups gnomAD compares: Non-Finnish European, 0.000085%; no homozygotes.

Submission:

Labcorp Genetics (formerly Invitae), Labcorp
Classification: Uncertain significance for Early-infantile DEE. Last evaluated: 2021-11-25. Review status: criteria provided, single submitter. Criteria: Invitae Variant Classification Sherloc (09022015). Collection method: clinical testing. Allele origin: germline.
Comment: Advanced modeling of protein sequence and biophysical properties (such as structural, functional, and spatial information, amino acid conservation, physicochemical variation, residue mobility, and thermodynamic stability) performed at Invitae indicates that this missense variant is expected to disrupt KCNQ2 protein function. In summary, the available evidence is currently insufficient to determine the role of this variant in disease. Therefore, it has been classified as a Variant of Uncertain Significance. This variant has not been reported in the literature in individuals affected with KCNQ2-related conditions. This variant is not present in population databases (gnomAD no frequency). This sequence change replaces glycine, which is neutral and non-polar, with serine, which is neutral and polar, at codon 500 of the KCNQ2 protein (p.Gly500Ser).